The following is an entry in ClinVar:

NM_000719.7(CACNA1C):c.1604T>C (p.Phe535Ser)

Gene: CACNA1C (calcium voltage-gated channel subunit alpha1 C; plus strand). Cytogenetic location: 12p13.33.
Variant type: single nucleotide variant.
Coding change: c.1604T>C on transcript NM_000719.7 (MANE Select); coding-DNA position 1604, T replaced by C.
Protein change: p.Phe535Ser; replaces phenylalanine 535 with serine.
Molecular consequence: missense variant.
Genome position (GRCh38, 1-based): chr12:2,566,517, T>C. VCF-style: chr12-2566517-T-C. GRCh37 (hg19) VCF-style: chr12-2675683-T-C.
Other names: c.1604T>C, p.Phe535Ser (NM_001129827.2, NM_001129829.2, NM_001129830.3 and 18 more transcripts); c.1595T>C, p.Phe532Ser (NM_001129844.2); short protein forms F532S, F535S.
Identifiers: ClinVar variation 2664717 (VCV002664717.1), dbSNP rs2512769032, ClinGen allele CA383368588.

ClinVar aggregate classification (germline): Uncertain significance (1 of 4 stars; one submission).

Conditions:
Hypertrophic cardiomyopathy. Also called: HYPERTROPHIC MYOCARDIOPATHY. Identifiers: Orphanet 217569, MedGen C0007194, MeSH D002312, MONDO:0005045, HP:0001639.

Submission:

Genetics and Molecular Pathology, SA Pathology
Classification: Uncertain significance for Hypertrophic cardiomyopathy. Last evaluated: 2022-11-15. Review status: criteria provided, single submitter. Criteria: ACMG Guidelines, 2015. Collection method: clinical testing. Allele origin: germline. Inheritance: Autosomal dominant inheritance. Affected: yes.
Comment: The CACNA1C c.1604T>C variant is classified as VUS (PM2, PP3) The CACNA1C c.1604T>C variant is a single nucleotide change in exon 12/47 of the CACNA1C gene, which is predicted to change the amino acid phenylalanine at position 535 in the protein, to serine. This variant is absent from population databases (PM2). Computational predictions support a deleterious effect on the gene or gene product (PP3). This variant has not been reported in dbSNP, ClinVar or HGMD. CACNA1C has a moderate association with LongQT syndrome (ClinGen), however cardiac-only presentations in Timothy syndrome have been reported in CACNA1C variant families (PMID#33797204). Correlation with this patients' clinical phenotype is recommended.

Literature cited by the submitters: PubMed 33797204.